The following is an entry in ClinVar:

NM_020631.6(PLEKHG5):c.633G>T (p.Gly211=)

Gene: PLEKHG5 (pleckstrin homology and RhoGEF domain containing G5; minus strand). Cytogenetic location: 1p36.31.
Variant type: single nucleotide variant.
Coding change: c.633G>T on transcript NM_020631.6 (MANE Select); coding-DNA position 633, G replaced by T.
Protein change: p.Gly211=; no amino-acid change (glycine 211 retained).
Molecular consequence: synonymous variant.
Genome position (GRCh38, 1-based): chr1:6,473,413, C>A on the plus strand (G>T on the coding strand, the complement: PLEKHG5 is on the minus strand). VCF-style: chr1-6473413-C-A. GRCh37 (hg19) VCF-style: chr1-6533473-C-A.
Other names: c.744G>T, p.Gly248= (NM_001042663.3, NM_001265592.2); c.633G>T, p.Gly211= (NM_001042664.2, NM_001042665.2, NM_001265594.3 and 1 more transcripts); c.840G>T, p.Gly280= (NM_001265593.2).
Identifiers: ClinVar variation 618330 (VCV000618330.11), dbSNP rs1365704916, ClinGen allele CA415833836.

ClinVar aggregate classification (germline): Conflicting classifications of pathogenicity. Review status: criteria provided, conflicting classifications (1 of 4 stars). 2 submissions from 2 submitters: Uncertain significance (1); Likely benign (1). Last evaluated 2024-03-07.

Conditions:
Charcot-Marie-Tooth disease recessive intermediate C. Also called: CHARCOT-MARIE-TOOTH NEUROPATHY, RECESSIVE INTERMEDIATE C. Identifiers: Orphanet 369867, MedGen C3809309, MONDO:0014154, OMIM 615376.
Neuronopathy, distal hereditary motor, autosomal recessive 4. Also called: Autosomal recessive lower motor neuron disease with childhood onset; NEUROPATHY, DISTAL HEREDITARY MOTOR, AUTOSOMAL RECESSIVE 4. Identifiers: Orphanet 206580, MedGen C1970211, MONDO:0012608, OMIM 611067.

Allele frequency attached by ClinVar (database versions not stated): gnomAD exomes below 0.00001; TOPMed below 0.00001.
gnomAD v4.1: 3 of 1,542,830 alleles (0.00019%); highest among the groups gnomAD compares: Non-Finnish European, 0.00026%; no homozygotes.

Submissions (2):

Labcorp Genetics (formerly Invitae), Labcorp
Classification: Likely benign for Neuronopathy, distal hereditary motor, autosomal recessive 4; Charcot-Marie-Tooth disease recessive intermediate C. Last evaluated: 2024-03-07. Review status: criteria provided, single submitter. Criteria: Invitae Variant Classification Sherloc (09022015). Collection method: clinical testing. Allele origin: germline.

ARUP Laboratories, Molecular Genetics and Genomics, ARUP Laboratories
Classification: Uncertain significance. Last evaluated: 2018-06-12. Review status: criteria provided, single submitter. Criteria: ARUP Molecular Germline Variant Investigation Process. Collection method: clinical testing. Allele origin: germline.
Comment: The p.Gly211Gly variant has not been reported in the medical literature, gene specific variation databases, nor has it been previously identified by our laboratory. It is absent from general population databases such as 1000 Genomes, NHLBI GO Exome Sequencing Project (ESP), and the Genome Aggregation Database (gnomAD). This is a synonymous variant in a weakly conserved nucleotide, and computational analyses (Alamut v.2.11) predict that this variant may impact splicing by creating a novel cryptic donor splice site. Altogether, there is not enough evidence to classify the p.Gly211Gly variant with certainty.